The following is an entry in ClinVar:

NM_001999.4(FBN2):c.6733C>A (p.Pro2245Thr)

Gene: FBN2 (fibrillin 2; minus strand). Cytogenetic location: 5q23.3.
Variant type: single nucleotide variant.
Coding change: c.6733C>A on transcript NM_001999.4 (MANE Select); coding-DNA position 6733, C replaced by A.
Protein change: p.Pro2245Thr; replaces proline 2245 with threonine.
Molecular consequence: missense variant.
Genome position (GRCh38, 1-based): chr5:128,288,462, G>T on the plus strand (C>A on the coding strand, the complement: FBN2 is on the minus strand). VCF-style: chr5-128288462-G-T. GRCh37 (hg19) VCF-style: chr5-127624154-G-T.
Other names: c.6733C>A (NM_001999.3); short protein forms P2245T.
Identifiers: ClinVar variation 3625303 (VCV003625303.3).
Genomic context (GRCh38, chr5:128,288,462, plus strand): 5'-CAAGAAGAAATAATATTTAAGACAAAGATCACTTGCCTTCACAATTCATCATGGGCCCTG[G>T]CTCAAAGCCTTCATTGCAATTGCATTCAAAACTCCCAATAACATTGGTGCATGTACCATT-3'
Protein context (NP_001990.2, residues 2235-2255): FECNCNEGFE[Pro2245Thr]GPMMNCEDIN

ClinVar aggregate classification (germline): Uncertain significance. Review status: criteria provided, multiple submitters, no conflicts (2 of 4 stars). 2 submissions from 2 submitters: Uncertain significance (2). Last evaluated 2025-12-26.

Conditions:
Familial thoracic aortic aneurysm and aortic dissection (TAAD). Also called: Thoracic aortic aneurysms and dissections. Identifiers: Orphanet 91387, MedGen C4707243, MONDO:0019625.
Congenital contractural arachnodactyly (CCA). Also called: BEALS SYNDROME; Beals-Hecht syndrome; Arthrogryposis, distal, type 9. Identifiers: Orphanet 115, MedGen C0220668, MONDO:0007363, OMIM 121050.

Submissions (2):

Ambry Genetics
Classification: Uncertain significance for Familial thoracic aortic aneurysm and aortic dissection. Last evaluated: 2025-12-26. Review status: criteria provided, single submitter. Criteria: Ambry Variant Classification Scheme 2023. Collection method: clinical testing. Allele origin: germline.
Comment: The p.P2245T variant (also known as c.6733C>A), located in coding exon 53 of the FBN2 gene, results from a C to A substitution at nucleotide position 6733. The proline at codon 2245 is replaced by threonine, an amino acid with highly similar properties. This amino acid position is conserved. In addition, this alteration is predicted to be deleterious by in silico analysis. Based on the available evidence, the clinical significance of this variant remains unclear.

Labcorp Genetics (formerly Invitae), Labcorp
Classification: Uncertain significance for Congenital contractural arachnodactyly. Last evaluated: 2025-08-25. Review status: criteria provided, single submitter. Criteria: Invitae Variant Classification Sherloc (09022015). Collection method: clinical testing. Allele origin: germline.
Comment: This sequence change replaces proline, which is neutral and non-polar, with threonine, which is neutral and polar, at codon 2245 of the FBN2 protein (p.Pro2245Thr). This variant is present in population databases (no rsID available, gnomAD 0.0009%). This variant has not been reported in the literature in individuals affected with FBN2-related conditions. ClinVar contains an entry for this variant (Variation ID: 3625303). Invitae Evidence Modeling of protein sequence and biophysical properties (such as structural, functional, and spatial information, amino acid conservation, physicochemical variation, residue mobility, and thermodynamic stability) indicates that this missense variant is expected to disrupt FBN2 protein function with a positive predictive value of 80%. In summary, the available evidence is currently insufficient to determine the role of this variant in disease. Therefore, it has been classified as a Variant of Uncertain Significance.